The following is an entry in ClinVar:

NM_001385125.1(OPN1SW):c.34A>G (p.Ile12Val)

Gene: OPN1SW (opsin 1, short wave sensitive; minus strand). Cytogenetic location: 7q32.1.
Variant type: single nucleotide variant.
Coding change: c.34A>G on transcript NM_001385125.1 (MANE Select); coding-DNA position 34, A replaced by G.
Protein change: p.Ile12Val; replaces isoleucine 12 with valine.
Molecular consequence: missense variant.
Genome position (GRCh38, 1-based): chr7:128,775,748, T>C on the plus strand (A>G on the coding strand, the complement: OPN1SW is on the minus strand). VCF-style: chr7-128775748-T-C. GRCh37 (hg19) VCF-style: chr7-128415802-T-C.
Other names: short protein forms I12V.
Identifiers: ClinVar variation 1472093 (VCV001472093.6), dbSNP rs200504235, ClinGen allele CA4473071.

ClinVar aggregate classification (germline): Uncertain significance (1 of 4 stars; one submission).

gnomAD v4.1: 1 of 1,614,150 alleles (0.000062%); highest among the groups gnomAD compares: South Asian, 0.0011%; no homozygotes.

Submission:

Labcorp Genetics (formerly Invitae), Labcorp
Classification: Uncertain significance. Last evaluated: 2024-02-26. Review status: criteria provided, single submitter. Criteria: Invitae Variant Classification Sherloc (09022015). Collection method: clinical testing. Allele origin: germline.
Comment: This sequence change replaces isoleucine, which is neutral and non-polar, with valine, which is neutral and non-polar, at codon 15 of the OPN1SW protein (p.Ile15Val). This variant is present in population databases (rs200504235, gnomAD 0.003%). This variant has not been reported in the literature in individuals affected with OPN1SW-related conditions. ClinVar contains an entry for this variant (Variation ID: 1472093). An algorithm developed to predict the effect of missense changes on protein structure and function (PolyPhen-2) suggests that this variant is likely to be tolerated. In summary, the available evidence is currently insufficient to determine the role of this variant in disease. Therefore, it has been classified as a Variant of Uncertain Significance.